The following is an entry in ClinVar:

NM_002047.4(GARS1):c.614A>T (p.Asp205Val)

Gene: GARS1 (glycyl-tRNA synthetase 1; plus strand). Cytogenetic location: 7p14.3.
Variant type: single nucleotide variant.
Coding change: c.614A>T on transcript NM_002047.4 (MANE Select); coding-DNA position 614, A replaced by T.
Protein change: p.Asp205Val; replaces aspartic acid 205 with valine.
Molecular consequence: missense variant.
Genome position (GRCh38, 1-based): chr7:30,603,078, A>T. VCF-style: chr7-30603078-A-T. GRCh37 (hg19) VCF-style: chr7-30642694-A-T.
Other names: c.452A>T, p.Asp151Val (NM_001316772.1); short protein forms D151V, D205V.
Identifiers: ClinVar variation 1331584 (VCV001331584.8), dbSNP rs2128132956, ClinGen allele CA367139750.

ClinVar aggregate classification (germline): Uncertain significance. Review status: criteria provided, multiple submitters, no conflicts (2 of 4 stars). 2 submissions from 2 submitters: Uncertain significance (2). Last evaluated 2022-02-19.

Conditions:
Charcot-Marie-Tooth disease type 2. Also called: Charcot-Marie-Tooth type 2. Identifiers: Orphanet 64746, MedGen C0270914, MONDO:0018993.

Allele frequency attached by ClinVar (database versions not stated): gnomAD exomes below 0.00001.
gnomAD v4.1: 1 of 1,613,912 alleles (0.000062%); highest among the groups gnomAD compares: Non-Finnish European, 0.000085%; no homozygotes.

Submissions (2):

Labcorp Genetics (formerly Invitae), Labcorp
Classification: Uncertain significance for Charcot-Marie-Tooth disease type 2. Last evaluated: 2022-02-19. Review status: criteria provided, single submitter. Criteria: Invitae Variant Classification Sherloc (09022015). Collection method: clinical testing. Allele origin: germline.
Comment: In summary, the available evidence is currently insufficient to determine the role of this variant in disease. Therefore, it has been classified as a Variant of Uncertain Significance. This variant disrupts the p.Asp205 amino acid residue in GARS. Other variant(s) that disrupt this residue have been observed in individuals with GARS-related conditions (PMID: 33067402), which suggests that this may be a clinically significant amino acid residue. Algorithms developed to predict the effect of missense changes on protein structure and function (SIFT, PolyPhen-2, Align-GVGD) all suggest that this variant is likely to be disruptive. ClinVar contains an entry for this variant (Variation ID: 1331584). This missense change has been observed in individual(s) with Charcot-Marie-Tooth disease (Invitae). This variant is not present in population databases (gnomAD no frequency). This sequence change replaces aspartic acid, which is acidic and polar, with valine, which is neutral and non-polar, at codon 205 of the GARS protein (p.Asp205Val).

Greenwood Genetic Center Diagnostic Laboratories, Greenwood Genetic Center
Classification: Uncertain significance. Last evaluated: 2021-02-15. Review status: criteria provided, single submitter. Criteria: ACMG Guidelines, 2015. Collection method: clinical testing. Allele origin: germline. Affected: yes.
Comment: PP3, PM2

Literature cited by the submitters: PubMed 33067402 (cited by Labcorp Genetics (formerly Invitae), Labcorp).